The following is an entry in ClinVar:

ClinVar aggregate classification (germline): Benign (1 of 4 stars; one submission).

Conditions:
Charcot-Marie-Tooth disease type 2B (CMT2B). Also called: Charcot-Marie-Tooth Neuropathy Type 2B; CHARCOT-MARIE-TOOTH DISEASE, AXONAL, TYPE 2B; CHARCOT-MARIE-TOOTH DISEASE, AUTOSOMAL DOMINANT, TYPE 2B; HEREDITARY MOTOR AND SENSORY NEUROPATHY IIB. Identifiers: Orphanet 99936, MedGen C1833219, MONDO:0010949, OMIM 600882.

Allele frequency attached by ClinVar (database versions not stated): TOPMed 0.00023; gnomAD 0.00025; 1000 Genomes Project 30x 0.00078; 1000 Genomes Project 0.00080; gnomAD exomes 0.00096.
gnomAD v4.1: 50 of 158,770 alleles (0.031%); highest among the groups gnomAD compares: South Asian, 0.16%; no homozygotes.

Submission:

Illumina Laboratory Services, Illumina
Classification: Benign for Charcot-Marie-Tooth disease type 2B. Last evaluated: 2018-01-12. Review status: criteria provided, single submitter. Criteria: ICSL Variant Classification Criteria 13 December 2019. Collection method: clinical testing. Allele origin: germline.
Comment: This variant was observed in the ICSL laboratory as part of a predisposition screen in an ostensibly healthy population. It had not been previously curated by ICSL or reported in the Human Gene Mutation Database (HGMD: prior to June 1st, 2018), and was therefore a candidate for classification through an automated scoring system. Utilizing variant allele frequency, disease prevalence and penetrance estimates, and inheritance mode, an automated score was calculated to assess if this variant is too frequent to cause the disease. Based on the score and internal cut-off values, a variant classified as benign is not then subjected to further curation. The score for this variant resulted in a classification of benign for this disease.

NM_004637.6(RAB7A):c.*625T>C

Gene: RAB7A (RAB7A, member RAS oncogene family; plus strand). Cytogenetic location: 3q21.3.
Variant type: single nucleotide variant.
Coding change: c.*625T>C on transcript NM_004637.6 (MANE Select); 625 bases downstream of the stop codon, T replaced by C.
Molecular consequence: 3 prime UTR variant.
Genome position (GRCh38, 1-based): chr3:128,814,047, T>C. VCF-style: chr3-128814047-T-C. GRCh37 (hg19) VCF-style: chr3-128532890-T-C.
Identifiers: ClinVar variation 343171 (VCV000343171.5), dbSNP rs545004919, ClinGen allele CA10615237.
Genomic context (GRCh38, chr3:128,814,047, plus strand): 5'-CTAATCAGATCTTTTTACAGTATCCATTTATTATGTAATGCTTCTTAGAAAAGAATCTTA[T>C]AGTACATGTTAATATATGCAACCAATTAAAATGTATAAATTAGTGTAAGAAATTCTTGGA-3'